The following is an entry in ClinVar:

ClinVar aggregate classification (germline): Uncertain significance (1 of 4 stars; one submission).

Submission:

Ambry Genetics
Classification: Uncertain significance. Last evaluated: 2024-06-29. Review status: criteria provided, single submitter. Criteria: Ambry Variant Classification Scheme 2023. Collection method: clinical testing. Allele origin: germline.
Comment: The p.G216E variant (also known as c.647G>A), located in coding exon 1 of the MLH3 gene, results from a G to A substitution at nucleotide position 647. The glycine at codon 216 is replaced by glutamic acid, an amino acid with similar properties. This amino acid position is conserved. In addition, this alteration is predicted to be deleterious by in silico analysis. Based on the available evidence, the clinical significance of this variant remains unclear.

NM_001040108.2(MLH3):c.647G>A (p.Gly216Glu)

Gene: MLH3 (mutL homolog 3; minus strand). Cytogenetic location: 14q24.3.
Variant type: single nucleotide variant.
Coding change: c.647G>A on transcript NM_001040108.2 (MANE Select); coding-DNA position 647, G replaced by A.
Protein change: p.Gly216Glu; replaces glycine 216 with glutamic acid.
Molecular consequence: missense variant.
Genome position (GRCh38, 1-based): chr14:75,049,009, C>T on the plus strand (G>A on the coding strand, the complement: MLH3 is on the minus strand). VCF-style: chr14-75049009-C-T. GRCh37 (hg19) VCF-style: chr14-75515712-C-T.
Other names: c.647G>A, p.Gly216Glu (NM_014381.3); short protein forms G216E.
Identifiers: ClinVar variation 3396657 (VCV003396657.1).